The following is an entry in ClinVar:

ClinVar aggregate classification (germline): Conflicting classifications of pathogenicity. Review status: criteria provided, conflicting classifications (1 of 4 stars). 3 submissions from 3 submitters: Uncertain significance (1); Likely benign (2). Last evaluated 2025-05-14.

Conditions:
Autosomal recessive early-onset Parkinson disease 6 (PARK6). Also called: PINK1-Related Parkinson Disease; PINK1 Type of Young-Onset Parkinson Disease; PARKINSON DISEASE 6, EARLY-ONSET; PARKINSON DISEASE 6, MODIFIER OF. Identifiers: Orphanet 2828, MedGen C1853833, MONDO:0011613, OMIM 605909.

Allele frequency attached by ClinVar (database versions not stated): gnomAD exomes 0.00001; ExAC 0.00002; gnomAD 0.00002; TOPMed 0.00002.
gnomAD v4.1: 14 of 1,614,010 alleles (0.00087%); highest among the groups gnomAD compares: African/African-American, 0.0027%; no homozygotes.

Submissions (3):

Athena Diagnostics
Classification: Likely benign. Last evaluated: 2025-05-14. Review status: criteria provided, single submitter. Criteria: Athena Diagnostics Criteria. Collection method: clinical testing. Allele origin: unknown.
Comment: Computational tools yielded predictions that this variant is unlikely to have an effect on normal RNA splicing. This nucleotide position exhibits low evolutionary conservation.

Labcorp Genetics (formerly Invitae), Labcorp
Classification: Likely benign for Autosomal recessive early-onset Parkinson disease 6. Last evaluated: 2024-04-18. Review status: criteria provided, single submitter. Criteria: Invitae Variant Classification Sherloc (09022015). Collection method: clinical testing. Allele origin: germline.

Illumina Laboratory Services, Illumina
Classification: Uncertain significance for Autosomal recessive early-onset Parkinson disease 6. Last evaluated: 2017-04-28. Review status: criteria provided, single submitter. Criteria: ICSL Variant Classification Criteria 13 December 2019. Collection method: clinical testing. Allele origin: germline.

NM_032409.3(PINK1):c.414G>A (p.Pro138=)

Gene: PINK1 (PTEN induced kinase 1; plus strand). Cytogenetic location: 1p36.12.
Variant type: single nucleotide variant.
Coding change: c.414G>A on transcript NM_032409.3 (MANE Select); coding-DNA position 414, G replaced by A.
Protein change: p.Pro138=; no amino-acid change (proline 138 retained).
Molecular consequence: synonymous variant.
Genome position (GRCh38, 1-based): chr1:20,637,868, G>A. VCF-style: chr1-20637868-G-A. GRCh37 (hg19) VCF-style: chr1-20964361-G-A.
Identifiers: ClinVar variation 875808 (VCV000875808.12), dbSNP rs773637957, ClinGen allele CA660420.
Genomic context (GRCh38, chr1:20,637,868, plus strand): 5'-CCCTGGCTCACGGTGCATTCTTTTCTCATCACAGGCAATTTTTACCCAGAAAAGCAAGCC[G>A]GGGCCTGACCCGTTGGACACGAGACGCTTGCAGGGCTTTCGGCTGGAGGAGTATCTGATA-3'
Protein context (NP_115785.1, residues 128-148): IQAIFTQKSK[Pro138=]GPDPLDTRRL